The following is an entry in ClinVar:

ClinVar aggregate classification (germline): Uncertain significance (1 of 4 stars; one submission).

Conditions:
Thrombocythemia 3 (THCYT3). Also called: THROMBOCYTOSIS 3; THROMBOCYTHEMIA 3, SOMATIC. Identifiers: MedGen C3281125, MONDO:0013794, OMIM 614521.

gnomAD v4.1: 6 of 1,614,154 alleles (0.00037%); highest among the groups gnomAD compares: Admixed American, 0.01%; no homozygotes.

Submission:

St. Jude Molecular Pathology, St. Jude Children's Research Hospital
Classification: Uncertain significance for Thrombocythemia 3. Last evaluated: 2026-10-01. Review status: criteria provided, single submitter. Criteria: St. Jude Assertion Criteria 2020. Collection method: clinical testing. Allele origin: germline.
Comment: The JAK2 c.187G>A p.(Val63Ile) missense change has a maximum subpopulation frequency of 0.03% in gnomAD v2.1.1. The in silico tool REVEL predicts a benign effect on protein function, but to our knowledge this prediction has not been confirmed by fu nctional studies. To our knowledge, this variant has not been reported in individuals with JAK2-related disease. In summary, the evidence currently available is insufficient to determine the clinical significance of this variant. It has therefore been cl assified as of uncertain significance (VUS-Low).

NM_004972.4(JAK2):c.187G>A (p.Val63Ile)

Genes: INSL6 (insulin like 6; minus strand), JAK2 (Janus kinase 2; plus strand). Cytogenetic location: 9p24.1.
Variant type: single nucleotide variant.
Coding change: c.187G>A on transcript NM_004972.4 (MANE Select); coding-DNA position 187, G replaced by A.
Protein change: p.Val63Ile; replaces valine 63 with isoleucine.
Molecular consequence: missense variant. On other transcripts: 5 prime UTR variant (2), non-coding transcript variant (2).
Genome position (GRCh38, 1-based): chr9:5,022,174, G>A. VCF-style: chr9-5022174-G-A. GRCh37 (hg19) VCF-style: chr9-5022174-G-A.
Other names: c.187G>A, p.Val63Ile (NM_001322194.2, NM_001322195.2, NM_001322196.2); c.-934G>A (NM_001322198.2, NM_001322199.2); short protein forms V63I.
Identifiers: ClinVar variation 5038350 (VCV005038350.1).